The following is an entry in ClinVar:

ClinVar aggregate classification (germline): Likely benign. Review status: criteria provided, multiple submitters, no conflicts (2 of 4 stars). 3 submissions from 3 submitters: Likely benign (3). Last evaluated 2026-01-31.

Conditions:
Autosomal recessive limb-girdle muscular dystrophy type 2J (LGMDR10). Also called: Limb-girdle muscular dystrophy, type 2J; MUSCULAR DYSTROPHY, LIMB-GIRDLE, AUTOSOMAL RECESSIVE 10. Identifiers: Orphanet 140922, MedGen C1837342, MONDO:0012127, OMIM 608807.
Dilated cardiomyopathy 1G (CMD1G). Identifiers: Orphanet 154, MedGen C1858763, MONDO:0011400, OMIM 604145.

Allele frequency attached by ClinVar (database versions not stated): TOPMed below 0.00001; gnomAD 0.00001.
gnomAD v4.1: 1 of 1,602,926 alleles (0.000062%); no homozygotes.

Submissions (3):

Labcorp Genetics (formerly Invitae), Labcorp
Classification: Likely benign for Dilated cardiomyopathy 1G; Autosomal recessive limb-girdle muscular dystrophy type 2J. Last evaluated: 2026-01-31. Review status: criteria provided, single submitter. Criteria: Invitae Variant Classification Sherloc (09022015). Collection method: clinical testing. Allele origin: germline.

Blueprint Genetics
Classification: Likely benign. Last evaluated: 2021-08-25. Review status: criteria provided, single submitter. Criteria: ACMG Guidelines, 2015. Collection method: clinical testing. Allele origin: germline.

GeneDx
Classification: Likely benign. Last evaluated: 2016-09-30. Review status: criteria provided, single submitter. Criteria: GeneDx Variant Classification (06012015). Collection method: clinical testing. Allele origin: germline. Affected: yes.
Comment: This variant is considered likely benign or benign based on one or more of the following criteria: it is a conservative change, it occurs at a poorly conserved position in the protein, it is predicted to be benign by multiple in silico algorithms, and/or has population frequency not consistent with disease.

NM_001267550.2(TTN):c.14093-16C>T

Gene: TTN (titin; minus strand). Cytogenetic location: 2q31.2.
Variant type: single nucleotide variant.
Coding change: c.14093-16C>T on transcript NM_001267550.2 (MANE Select); 16 bases into the intron before coding-DNA position 14093, C replaced by T.
Molecular consequence: intron variant.
Genome position (GRCh38, 1-based): chr2:178,738,376, G>A on the plus strand (C>T on the coding strand, the complement: TTN is on the minus strand). VCF-style: chr2-178738376-G-A. GRCh37 (hg19) VCF-style: chr2-179603103-G-A.
Other names: c.13004-16C>T (NM_003319.4); c.13580-16C>T (NM_133437.4); c.13379-16C>T (NM_133432.3); c.10361-16C>T (NM_133378.4); c.13142-16C>T (NM_001256850.1).
Identifiers: ClinVar variation 389446 (VCV000389446.10), dbSNP rs1057523430, ClinGen allele CA16604238.